The following is an entry in ClinVar:

ClinVar aggregate classification (germline): Uncertain significance (1 of 4 stars; one submission).

Conditions:
PLCB4-related disorder. Also called: PLCB4-related condition.

Submission:

PreventionGenetics, part of Exact Sciences
Classification: Uncertain significance for PLCB4-related condition. Last evaluated: 2025-05-20. Review status: criteria provided, single submitter. Criteria: ACMG Guidelines, 2015. Collection method: clinical testing. Allele origin: germline.
Comment: The PLCB4 c.61_62delinsAA variant is predicted to result in an in-frame deletion and insertion. To our knowledge, this variant has not been reported in the literature or in a large population database (gnomAD), indicating this variant is rare. At this time, the clinical significance of this variant is uncertain due to the absence of conclusive functional and genetic evidence.

NM_001377142.1(PLCB4):c.61_62delinsAA (p.Ala21Lys)

Gene: PLCB4 (phospholipase C beta 4; plus strand). Cytogenetic location: 20p12.2.
Variant type: Indel.
Coding change: c.61_62delinsAA on transcript NM_001377142.1 (MANE Select); coding-DNA positions 61 to 62, GC replaced by AA.
Protein change: p.Ala21Lys; replaces alanine 21 with lysine.
Molecular consequence: missense variant.
Genome position (GRCh38, 1-based): chr20:9,307,875-9,307,876, GC replaced by AA. VCF-style: chr20-9307875-GC-AA. GRCh37 (hg19) VCF-style: chr20-9288522-GC-AA.
Other names: c.61_62delinsAA, p.Ala21Lys (NM_000933.4, NM_001172646.2, NM_001377134.2 and 4 more transcripts); short protein forms A21K.
Identifiers: ClinVar variation 4998830 (VCV004998830.1).